The following is an entry in ClinVar:

ClinVar aggregate classification (germline): Uncertain significance (1 of 4 stars; one submission).

Conditions:
Cardiomyopathy (CMYO). Also called: Cardiomyopathies. Identifiers: Orphanet 167848, MedGen C0878544, MONDO:0004994, HP:0001638. Inheritance: Various modes of inheritance.

Submission:

Color Diagnostics, LLC DBA Color Health
Classification: Uncertain significance for Cardiomyopathy. Last evaluated: 2023-12-05. Review status: criteria provided, single submitter. Criteria: ACMG Guidelines, 2015. Collection method: clinical testing. Allele origin: germline.
Comment: Variant of Uncertain Significance due to insufficient evidence: This missense variant is located in the transmembrane domain of the DSG2 protein. Computational prediction tools and conservation analyses suggest that this variant may have deleterious impact on the protein function. Computational splicing tools suggest that this variant may not impact RNA splicing. To our knowledge, functional assays have not been performed for this variant nor has this variant been reported in individuals affected with cardiovascular disorders in the literature. This variant is rare in the general population and has been identified in 0/277264 chromosomes by the Genome Aggregation Database (gnomAD). Available evidence is insufficient to determine the pathogenicity of this variant conclusively.

NM_001943.5(DSG2):c.1874T>C (p.Leu625Pro)

Gene: DSG2 (desmoglein 2; plus strand). Cytogenetic location: 18q12.1.
Variant type: single nucleotide variant.
Coding change: c.1874T>C on transcript NM_001943.5 (MANE Select); coding-DNA position 1874, T replaced by C.
Protein change: p.Leu625Pro; replaces leucine 625 with proline.
Molecular consequence: missense variant.
Genome position (GRCh38, 1-based): chr18:31,538,973, T>C. VCF-style: chr18-31538973-T-C. GRCh37 (hg19) VCF-style: chr18-29118936-T-C.
Other names: short protein forms L625P.
Identifiers: ClinVar variation 923261 (VCV000923261.5), dbSNP rs2073249656, ClinGen allele CA402138503.